The following is an entry in ClinVar:

NM_000089.4(COL1A2):c.1665+15A>G

Gene: COL1A2 (collagen type I alpha 2 chain; plus strand). Cytogenetic location: 7q21.3.
Variant type: single nucleotide variant.
Coding change: c.1665+15A>G on transcript NM_000089.4 (MANE Select); 15 bases into the intron after coding-DNA position 1665, A replaced by G.
Molecular consequence: intron variant.
Genome position (GRCh38, 1-based): chr7:94,413,962, A>G. VCF-style: chr7-94413962-A-G. GRCh37 (hg19) VCF-style: chr7-94043274-A-G.
Identifiers: ClinVar variation 254954 (VCV000254954.22), dbSNP rs421587, ClinGen allele CA4347150.

ClinVar aggregate classification (germline): Benign. Review status: criteria provided, multiple submitters, no conflicts (2 of 4 stars). 10 submissions from 9 submitters: Benign (7). 3 of the submissions do not count toward it. Last evaluated 2026-02-04.

Conditions:
Osteogenesis imperfecta type I (OI1). Also called: OI, TYPE I; OSTEOGENESIS IMPERFECTA TARDA; OSTEOGENESIS IMPERFECTA WITH BLUE SCLERAE; Osteogenesis imperfecta type 1; Lobstein's Disease; Lobstein disease. Identifiers: Orphanet 216796, Orphanet 666, MedGen C0023931, MONDO:0008146, OMIM 166200. Disease mechanism: loss of function.
Ehlers-Danlos syndrome, classic type, 1 (EDSCL1). Also called: Ehlers-Danlos Syndrome, Classic Type, COL5A1-Related; EHLERS-DANLOS SYNDROME, GRAVIS TYPE; EHLERS-DANLOS SYNDROME, SEVERE CLASSIC TYPE; Ehlers-Danlos syndrome, type 1; EDS I. Identifiers: MedGen C0268335, MONDO:0019567, OMIM 130000.
Ehlers-Danlos syndrome, arthrochalasia type, 2. Also called: EHLERS-DANLOS SYNDROME, TYPE VIIB, AUTOSOMAL DOMINANT. Identifiers: MedGen CN293783, MONDO:0040501, OMIM 617821.
Osteogenesis imperfecta (OI). Identifiers: Orphanet 666, MedGen C0029434, MeSH D010013, MONDO:0019019.

Allele frequency attached by ClinVar (database versions not stated): 1000 Genomes Project 0.24700; 1000 Genomes Project 30x 0.24828; gnomAD exomes 0.27342 and 0.29822; ExAC 0.27611; TOPMed 0.27703; gnomAD 0.28370 and 0.28734; ESP Exome Variant Server 0.28894.
gnomAD v4.1: 475,320 of 1,605,380 alleles (30%); highest among the groups gnomAD compares: Non-Finnish European, 31%; 71,640 homozygotes.

Submissions (10):

Labcorp Genetics (formerly Invitae), Labcorp
Classification: Benign for Osteogenesis imperfecta type I; Ehlers-Danlos syndrome, classic type, 1. Last evaluated: 2026-02-04. Review status: criteria provided, single submitter. Criteria: Invitae Variant Classification Sherloc (09022015). Collection method: clinical testing. Allele origin: germline.

Blueprint Genetics
Classification: Benign. Last evaluated: 2024-11-27. Review status: criteria provided, single submitter. Criteria: ACMG Guidelines, 2015. Collection method: clinical testing. Allele origin: germline.

Illumina Laboratory Services, Illumina
Classification: Benign for Osteogenesis imperfecta. Last evaluated: 2018-01-13. Review status: criteria provided, single submitter. Criteria: ICSL Variant Classification Criteria 13 December 2019. Collection method: clinical testing. Allele origin: germline.
Comment: This variant was observed in the ICSL laboratory as part of a predisposition screen in an ostensibly healthy population. It had not been previously curated by ICSL or reported in the Human Gene Mutation Database (HGMD: prior to June 1st, 2018), and was therefore a candidate for classification through an automated scoring system. Utilizing variant allele frequency, disease prevalence and penetrance estimates, and inheritance mode, an automated score was calculated to assess if this variant is too frequent to cause the disease. Based on the score and internal cut-off values, a variant classified as benign is not then subjected to further curation. The score for this variant resulted in a classification of benign for this disease.

Illumina Laboratory Services, Illumina
Classification: Benign for Ehlers-Danlos syndrome, arthrochalasia type, 2. Last evaluated: 2018-01-13. Review status: criteria provided, single submitter. Criteria: ICSL Variant Classification Criteria 13 December 2019. Collection method: clinical testing. Allele origin: germline.
Comment: the same text as in the submission from Illumina Laboratory Services, Illumina above.

GeneDx
Classification: Benign. Last evaluated: 2016-03-03. Review status: criteria provided, single submitter. Criteria: GeneDx Variant Classification (06012015). Collection method: clinical testing. Allele origin: germline. Affected: yes.
Comment: This variant is considered likely benign or benign based on one or more of the following criteria: it is a conservative change, it occurs at a poorly conserved position in the protein, it is predicted to be benign by multiple in silico algorithms, and/or has population frequency not consistent with disease.

Breakthrough Genomics
Classification: Benign. Review status: criteria provided, single submitter. Criteria: ACMG Guidelines, 2015. Collection method: not provided. Allele origin: germline. Inheritance: Autosomal recessive inheritance. Affected: yes.

PreventionGenetics, part of Exact Sciences
Classification: Benign. Review status: criteria provided, single submitter. Criteria: ACMG Guidelines, 2015. Collection method: clinical testing. Allele origin: germline.

Diagnostic Laboratory, Department of Genetics, University Medical Center Groningen
Classification: Benign. Review status: no assertion criteria provided. Collection method: clinical testing. Allele origin: germline. Affected: yes. Study: VKGL Data-share Consensus. Not counted in ClinVar's aggregate classification.

Genome Diagnostics Laboratory, Amsterdam University Medical Center
Classification: Benign. Review status: no assertion criteria provided. Collection method: clinical testing. Allele origin: germline. Affected: yes. Study: VKGL Data-share Consensus. Not counted in ClinVar's aggregate classification.

Joint Genome Diagnostic Labs from Nijmegen and Maastricht, Radboudumc and MUMC+
Classification: Benign. Review status: no assertion criteria provided. Collection method: clinical testing. Allele origin: germline. Affected: yes. Study: VKGL Data-share Consensus. Not counted in ClinVar's aggregate classification.